The following is an entry in ClinVar:

NM_001829.4(CLCN3):c.*6A>C

Gene: CLCN3 (chloride voltage-gated channel 3; plus strand). Cytogenetic location: 4q33.
Variant type: single nucleotide variant.
Coding change: c.*6A>C on transcript NM_001829.4 (MANE Select); 6 bases downstream of the stop codon, A replaced by C.
Molecular consequence: 3 prime UTR variant. On other transcripts: missense variant (1).
Genome position (GRCh38, 1-based): chr4:169,720,003, A>C. VCF-style: chr4-169720003-A-C. GRCh37 (hg19) VCF-style: chr4-170641154-A-C.
Other names: c.*6A>C (NM_001243372.2, NM_001243374.2); c.2539A>C, p.Thr847Pro (NM_173872.4); short protein forms T847P.
Identifiers: ClinVar variation 3774276 (VCV003774276.1).

ClinVar aggregate classification (germline): Uncertain significance (1 of 4 stars; one submission).

Submission:

GeneDx
Classification: Uncertain significance. Last evaluated: 2024-09-20. Review status: criteria provided, single submitter. Criteria: GeneDx Variant Classification Process June 2021. Collection method: clinical testing. Allele origin: germline. Affected: yes.
Comment: Not observed at significant frequency in large population cohorts (gnomAD); In silico analysis indicates that this missense variant does not alter protein structure/function; Has not been previously published as pathogenic or benign to our knowledge